The following is an entry in ClinVar:

NM_019616.4(F7):c.739+7A>G

Gene: F7 (coagulation factor VII; plus strand). Cytogenetic location: 13q34.
Variant type: single nucleotide variant.
Coding change: c.739+7A>G on transcript NM_019616.4 (MANE Select); 7 bases into the intron after coding-DNA position 739, A replaced by G.
Molecular consequence: intron variant.
Genome position (GRCh38, 1-based): chr13:113,117,603, A>G. VCF-style: chr13-113117603-A-G. GRCh37 (hg19) VCF-style: chr13-113771917-A-G.
Other names: c.805+7A>G (NM_000131.5); c.553+7A>G (NM_001267554.2).
Identifiers: ClinVar variation 402841 (VCV000402841.52), dbSNP rs519650, ClinGen allele CA7060090.

ClinVar aggregate classification (germline): Conflicting classifications of pathogenicity. Review status: criteria provided, conflicting classifications (1 of 4 stars). 5 submissions from 5 submitters: Uncertain significance (1); Benign (1); Likely benign (3). Last evaluated 2026-05-01.

Conditions:
Factor VII deficiency. Also called: Factor 7 deficiency; F7 DEFICIENCY; HYPOPROCONVERTINEMIA. Identifiers: MedGen C0015503, MeSH D005168, MONDO:0002244.

Allele frequency attached by ClinVar (database versions not stated): gnomAD 0.00246 and 0.00249; gnomAD exomes 0.00395 and 0.00410; 1000 Genomes Project 0.00499; ESP Exome Variant Server 0.01046; TOPMed 0.01163; ExAC 0.01200.
gnomAD v4.1: 6,217 of 1,574,426 alleles (0.39%); highest among the groups gnomAD compares: Non-Finnish European, 0.45%; 25 homozygotes.

Submissions (5):

CeGaT Center for Human Genetics Tuebingen
Classification: Likely benign. Last evaluated: 2026-05-01. Review status: criteria provided, single submitter. Criteria: CeGaT Center For Human Genetics Tuebingen Variant Classification Criteria Version 2. Collection method: clinical testing. Allele origin: germline. Affected: yes. Observed: 27 variant alleles.
Comment: F7: BS2

Labcorp Genetics (formerly Invitae), Labcorp
Classification: Benign. Last evaluated: 2026-01-26. Review status: criteria provided, single submitter. Criteria: Invitae Variant Classification Sherloc (09022015). Collection method: clinical testing. Allele origin: germline.

Blueprint Genetics
Classification: Likely benign. Last evaluated: 2024-11-27. Review status: criteria provided, single submitter. Criteria: ACMG Guidelines, 2015. Collection method: clinical testing. Allele origin: germline.

Illumina Laboratory Services, Illumina
Classification: Uncertain significance for Congenital factor VII deficiency. Last evaluated: 2017-04-27. Review status: criteria provided, single submitter. Criteria: ICSL Variant Classification Criteria 13 December 2019. Collection method: clinical testing. Allele origin: germline.
Comment: This variant was observed as part of a predisposition screen in an ostensibly healthy population. A literature search was performed for the gene, cDNA change, and amino acid change (where applicable). Publications were found based on this search. However, the evidence from the literature, in combination with allele frequency data from public databases where available, was not sufficient to rule this variant in or out of causing disease. Therefore, this variant is classified as a variant of unknown significance.

Laboratory for Molecular Medicine, Mass General Brigham Personalized Medicine
Classification: Likely benign. Last evaluated: 2016-03-28. Review status: criteria provided, single submitter. Criteria: LMM Criteria. Collection method: clinical testing. Allele origin: germline.
Comment: Variant identified in a genome or exome case(s) and assessed due to predicted null impact of the variant or pathogenic assertions in the literature or databases. Disclaimer: This variant has not undergone full assessment. The following are preliminary notes: Frequency in ESP (all): 136/13006=1.04%

Literature cited by the submitters: PubMed 8244334 (cited by Illumina Laboratory Services, Illumina).